The following is an entry in ClinVar:

NM_182961.4(SYNE1):c.25258C>T (p.Arg8420Ter)

Gene: SYNE1 (spectrin repeat containing nuclear envelope protein 1; minus strand). Cytogenetic location: 6q25.2.
Variant type: single nucleotide variant.
Coding change: c.25258C>T on transcript NM_182961.4 (MANE Select); coding-DNA position 25258, C replaced by T.
Protein change: p.Arg8420Ter; replaces arginine 8420 with a stop codon.
Molecular consequence: nonsense.
Genome position (GRCh38, 1-based): chr6:152,140,150, G>A on the plus strand (C>T on the coding strand, the complement: SYNE1 is on the minus strand). VCF-style: chr6-152140150-G-A. GRCh37 (hg19) VCF-style: chr6-152461285-G-A.
Other names: c.25114C>T, p.Arg8372Ter (NM_033071.5); c.1864C>T, p.Arg622Ter (NM_001347701.2); c.1792C>T, p.Arg598Ter (NM_001347702.2); short protein forms R598*, R622*, R8372*, R8420*.
Identifiers: ClinVar variation 2577174 (VCV002577174.3), dbSNP rs752405799, ClinGen allele CA4052872.

ClinVar aggregate classification (germline): Pathogenic. Review status: criteria provided, multiple submitters, no conflicts (2 of 4 stars). 2 submissions from 2 submitters: Pathogenic (2). Last evaluated 2024-04-25.

Conditions:
Emery-Dreifuss muscular dystrophy 4, autosomal dominant (EDMD4). Also called: EMERY-DREIFUSS MUSCULAR DYSTROPHY 4 WITH VARIABLE FEATURES. Identifiers: Orphanet 261, MedGen C2751807, MONDO:0013071, OMIM 612998.
Autosomal recessive ataxia, Beauce type. Also called: ATAXIA, RECESSIVE, OF BEAUCE; Spinocerebellar ataxia, autosomal recessive 8; SYNE1-Related Autosomal Recessive Cerebellar Ataxia; SYNE1 Deficiency. Identifiers: Orphanet 88644, MedGen C1853116, MONDO:0012549, OMIM 610743.

Allele frequency attached by ClinVar (database versions not stated): TOPMed below 0.00001; gnomAD 0.00001; gnomAD exomes 0.00001; ExAC 0.00002.
gnomAD v4.1: 9 of 1,614,024 alleles (0.00056%); highest among the groups gnomAD compares: African/African-American, 0.0027%; no homozygotes.

Submissions (2):

Labcorp Genetics (formerly Invitae), Labcorp
Classification: Pathogenic for Emery-Dreifuss muscular dystrophy 4, autosomal dominant; Autosomal recessive ataxia, Beauce type. Last evaluated: 2024-04-25. Review status: criteria provided, single submitter. Criteria: Invitae Variant Classification Sherloc (09022015). Collection method: clinical testing. Allele origin: germline.
Comment: This sequence change creates a premature translational stop signal (p.Arg8372*) in the SYNE1 gene. It is expected to result in an absent or disrupted protein product. Loss-of-function variants in SYNE1 are known to be pathogenic (PMID: 19542096, 24319099, 27086870). This variant is present in population databases (rs752405799, gnomAD 0.01%). This premature translational stop signal has been observed in individual(s) with autosomal recessive spinocerebellar ataxia (PMID: 31103315). ClinVar contains an entry for this variant (Variation ID: 2577174). For these reasons, this variant has been classified as Pathogenic.

Women's Health and Genetics/Laboratory Corporation of America, LabCorp
Classification: Pathogenic for Emery-Dreifuss muscular dystrophy 4, autosomal dominant. Last evaluated: 2023-07-13. Review status: criteria provided, single submitter. Criteria: LabCorp Variant Classification Summary - May 2015. Collection method: clinical testing. Allele origin: germline.
Comment: Variant summary: SYNE1 c.25114C>T (p.Arg8372X) results in a premature termination codon, predicted to cause a truncation of the encoded protein or absence of the protein due to nonsense mediated decay, which are commonly known mechanisms for disease. The variant allele was found at a frequency of 2e-05 in 251474 control chromosomes (gnomAD). c.25114C>T has been reported in the literature in individuals affected with Spinocerebellar ataxia, autosomal recessive (Arias_2019). These data indicate that the variant may be associated with disease. To our knowledge, no experimental evidence demonstrating an impact on protein function has been reported. The following publication have been ascertained in the context of this evaluation (PMID: 31103315). No submitters have cited clinical-significance assessments for this variant to ClinVar after 2014. Based on the evidence outlined above, the variant was classified as pathogenic.

Literature cited by the submitters: PubMed 19542096 (cited by Labcorp Genetics (formerly Invitae), Labcorp); PubMed 24319099 (cited by Labcorp Genetics (formerly Invitae), Labcorp); PubMed 27086870 (cited by Labcorp Genetics (formerly Invitae), Labcorp); PubMed 31103315 (cited by Labcorp Genetics (formerly Invitae), Labcorp and Women's Health and Genetics/Laboratory Corporation of America, LabCorp).